The following is an entry in ClinVar:

ClinVar aggregate classification (germline): Pathogenic (1 of 4 stars; one submission).

Submission:

Labcorp Genetics (formerly Invitae), Labcorp
Classification: Pathogenic. Last evaluated: 2022-01-28. Review status: criteria provided, single submitter. Criteria: Invitae Variant Classification Sherloc (09022015). Collection method: clinical testing. Allele origin: germline.
Comment: This variant has not been reported in the literature in individuals affected with NDUFAF5-related conditions. For these reasons, this variant has been classified as Pathogenic. This variant disrupts a region of the NDUFAF5 protein in which other variant(s) (p.Met279Arg) have been determined to be pathogenic (PMID: 29581464, 30581749, 34177781). This suggests that this is a clinically significant region of the protein, and that variants that disrupt it are likely to be disease-causing. This variant is not present in population databases (gnomAD no frequency). This sequence change creates a premature translational stop signal (p.Asn269Ilefs*38) in the NDUFAF5 gene. While this is not anticipated to result in nonsense mediated decay, it is expected to disrupt the last 77 amino acid(s) of the NDUFAF5 protein.

Literature cited by the submitters: PubMed 29581464; PubMed 30581749; PubMed 34177781.

NM_024120.5(NDUFAF5):c.806del (p.Asn269fs)

Gene: NDUFAF5 (NADH:ubiquinone oxidoreductase complex assembly factor 5; plus strand). Cytogenetic location: 20p12.1.
Variant type: Deletion.
Coding change: c.806del on transcript NM_024120.5 (MANE Select); coding-DNA position 806, one base deleted (A; older notation c.806delA).
Protein change: p.Asn269fs; shifts the reading frame from asparagine 269.
Molecular consequence: frameshift variant. On other transcripts: non-coding transcript variant (7).
Genome position (GRCh38, 1-based): chr20:13,816,490, A deleted; the last of 2 consecutive A bases (chr20:13,816,489-13,816,490); deleting either gives the same sequence. VCF-style (leftmost placement, unchanged base first): chr20-13816488-GA-G. GRCh37 (hg19) VCF-style: chr20-13797134-GA-G.
Other names: c.722del, p.Asn241fs (NM_001039375.3); c.335del, p.Asn112fs (NM_001352403.2); c.245del, p.Asn82fs (NM_001352406.2, NM_001352407.2); short protein forms N112fs, N241fs, N82fs, N269fs.
Identifiers: ClinVar variation 2202530 (VCV002202530.4), dbSNP rs2516270409, ClinGen allele CA2580097888.